The following is an entry in ClinVar:

NM_001363711.2(DUOX2):c.4328A>G (p.Asp1443Gly)

Gene: DUOX2 (dual oxidase 2; minus strand). Cytogenetic location: 15q21.1.
Variant type: single nucleotide variant.
Coding change: c.4328A>G on transcript NM_001363711.2 (MANE Select); coding-DNA position 4328, A replaced by G.
Protein change: p.Asp1443Gly; replaces aspartic acid 1443 with glycine.
Molecular consequence: missense variant.
Genome position (GRCh38, 1-based): chr15:45,095,003, T>C on the plus strand (A>G on the coding strand, the complement: DUOX2 is on the minus strand). VCF-style: chr15-45095003-T-C. GRCh37 (hg19) VCF-style: chr15-45387201-T-C.
Other names: c.4328A>G, p.Asp1443Gly (NM_014080.5); short protein forms D1443G.
Identifiers: ClinVar variation 4802389 (VCV004802389.1).
Genomic context (GRCh38, chr15:45,095,003, plus strand): 5'-GTGGTCCTGAGGTCGAACTTCTCAGCCAGCTGGGTGACATAAATGTGCACAGACACCAGG[T>C]CCTGGTGGTCGTTCTCCTCCACCTCTTGGATGATGTCAGCCAGCCACTCAAACTGACGCT-3'
Protein context (NP_001350640.1, residues 1433-1453): IQEVEENDHQ[Asp1443Gly]LVSVHIYVTQ

ClinVar aggregate classification (germline): Uncertain significance (1 of 4 stars; one submission).

gnomAD v4.1: 3 of 1,614,172 alleles (0.00019%); highest among the groups gnomAD compares: African/African-American, 0.004%; no homozygotes.

Submission:

Labcorp Genetics (formerly Invitae), Labcorp
Classification: Uncertain significance. Last evaluated: 2025-12-16. Review status: criteria provided, single submitter. Criteria: Invitae Variant Classification Sherloc (09022015). Collection method: clinical testing. Allele origin: germline.
Comment: This sequence change replaces aspartic acid, which is acidic and polar, with glycine, which is neutral and non-polar, at codon 1443 of the DUOX2 protein (p.Asp1443Gly). This variant is not present in population databases (gnomAD no frequency). This variant has not been reported in the literature in individuals affected with DUOX2-related conditions. Invitae Evidence Modeling of protein sequence and biophysical properties (such as structural, functional, and spatial information, amino acid conservation, physicochemical variation, residue mobility, and thermodynamic stability) indicates that this missense variant is not expected to disrupt DUOX2 protein function with a negative predictive value of 95%. In summary, the available evidence is currently insufficient to determine the role of this variant in disease. Therefore, it has been classified as a Variant of Uncertain Significance.